The following is an entry in ClinVar:

ClinVar aggregate classification (germline): Uncertain significance. Review status: criteria provided, multiple submitters, no conflicts (2 of 4 stars). 2 submissions from 2 submitters: Uncertain significance (2). Last evaluated 2024-04-29.

Allele frequency attached by ClinVar (database versions not stated): gnomAD exomes 0.00003; gnomAD 0.00040 and 0.00043; TOPMed 0.00042.

Submissions (2):

GeneDx
Classification: Uncertain significance. Last evaluated: 2024-04-29. Review status: criteria provided, single submitter. Criteria: GeneDx Variant Classification Process June 2021. Collection method: clinical testing. Allele origin: germline. Affected: yes.
Comment: In-frame deletion of 2 of amino acids and insertion of 1 amino acid in a non-repeat region; Has not been previously published as pathogenic or benign to our knowledge

Labcorp Genetics (formerly Invitae), Labcorp
Classification: Uncertain significance. Last evaluated: 2023-09-10. Review status: criteria provided, single submitter. Criteria: Invitae Variant Classification Sherloc (09022015). Collection method: clinical testing. Allele origin: germline.
Comment: This variant, c.1895_1897del, is a complex sequence change that results in the deletion of 2 and insertion of 1 amino acid(s) in the ESPN protein (p.Arg632_Ser633delinsPro). This variant is present in population databases (no rsID available, gnomAD 0.07%). This variant has not been reported in the literature in individuals affected with ESPN-related conditions. ClinVar contains an entry for this variant (Variation ID: 1186589). In summary, the available evidence is currently insufficient to determine the role of this variant in disease. Therefore, it has been classified as a Variant of Uncertain Significance.

NM_031475.3(ESPN):c.1895_1897del (p.Arg632_Ser633delinsPro)

Gene: ESPN (espin; plus strand). Cytogenetic location: 1p36.31.
Variant type: Deletion.
Coding change: c.1895_1897del on transcript NM_031475.3 (MANE Select); coding-DNA positions 1895 to 1897, 3 bases deleted (GCT; older notation c.1895_1897delGCT).
Protein change: p.Arg632_Ser633delinsPro.
Molecular consequence: inframe indel.
Genome position (GRCh38, 1-based): chr1:6,449,071-6,449,073, GCT deleted. VCF-style (leftmost placement, unchanged base first): chr1-6449070-CGCT-C. GRCh37 (hg19) VCF-style: chr1-6509130-CGCT-C.
Other names: c.1805_1807del, p.Arg602_Ser603delinsPro (NM_001367473.1, NM_001367474.1); c.1895_1897delGCT (NM_031475.2); c.1895_1897del (NM_031475.2).
Identifiers: ClinVar variation 1186589 (VCV001186589.8), dbSNP rs925875533, ClinGen allele CA17212006.